The following is an entry in ClinVar:

ClinVar aggregate classification (germline): Uncertain significance (1 of 4 stars; one submission).

Conditions:
Paroxysmal nonkinesigenic dyskinesia. Also called: Paroxysmal non-kinesigenic dyskinesia. Identifiers: Orphanet 98810, MedGen C1869117, MONDO:0700088.

Submission:

Labcorp Genetics (formerly Invitae), Labcorp
Classification: Uncertain significance for Paroxysmal nonkinesigenic dyskinesia. Last evaluated: 2025-11-18. Review status: criteria provided, single submitter. Criteria: Invitae Variant Classification Sherloc (09022015). Collection method: clinical testing. Allele origin: germline.
Comment: This variant results in the deletion of part of exon 2 of the PNKD gene. It is expected to disrupt RNA splicing. Variants that disrupt the donor or acceptor splice site typically lead to a loss of protein function (PMID: 16199547), however the current clinical and genetic evidence is not sufficient to establish whether loss-of-function variants in PNKD cause disease. This variant is not present in population databases (gnomAD no frequency). This variant has not been reported in the literature in individuals affected with PNKD-related conditions. ClinVar contains an entry for this variant (Variation ID: 1052766). In summary, the available evidence is currently insufficient to determine the role of this variant in disease. Therefore, it has been classified as a Variant of Uncertain Significance.

Literature cited by the submitters: PubMed 16199547.

NM_015488.5(PNKD):c.232_236+3del

Gene: PNKD (PNKD metallo-beta-lactamase domain containing; plus strand). Cytogenetic location: 2q35.
Variant type: Deletion.
Coding change: c.232_236+3del on transcript NM_015488.5 (MANE Select); coding-DNA position 232 through 3 bases into the intron after coding-DNA position 236, 8 bases deleted (GCCTGGTG; older notation c.232_236+3delGCCTGGTG).
Molecular consequence: splice donor variant.
Genome position (GRCh38, 1-based): chr2:218,271,545-218,271,552, GCCTGGTG deleted; deleting any 8 consecutive bases within chr2:218,271,543-218,271,552 gives the same sequence; the c. name uses the placement nearest the transcript's 3' end. VCF-style (leftmost placement, unchanged base first): chr2-218271542-CTGGCCTGG-C. GRCh37 (hg19) VCF-style: chr2-219136265-CTGGCCTGG-C.
Other names: c.232_236+3del (NM_001077399.3).
Identifiers: ClinVar variation 1052766 (VCV001052766.7), dbSNP rs1690832713, ClinGen allele CA431226687.